The following is an entry in ClinVar:

NM_201550.4(LRRC10):c.260T>A (p.Phe87Tyr)

Gene: LRRC10 (leucine rich repeat containing 10; minus strand). Cytogenetic location: 12q15.
Variant type: single nucleotide variant.
Coding change: c.260T>A on transcript NM_201550.4 (MANE Select); coding-DNA position 260, T replaced by A.
Protein change: p.Phe87Tyr; replaces phenylalanine 87 with tyrosine.
Molecular consequence: missense variant.
Genome position (GRCh38, 1-based): chr12:69,610,579, A>T on the plus strand (T>A on the coding strand, the complement: LRRC10 is on the minus strand). VCF-style: chr12-69610579-A-T. GRCh37 (hg19) VCF-style: chr12-70004359-A-T.
Other names: c.260T>A (NM_201550.2); short protein forms F87Y.
Identifiers: ClinVar variation 1481934 (VCV001481934.8), dbSNP rs150521577, ClinGen allele CA6681098.

ClinVar aggregate classification (germline): Uncertain significance. Review status: criteria provided, multiple submitters, no conflicts (2 of 4 stars). 2 submissions from 2 submitters: Uncertain significance (2). Last evaluated 2025-12-16.

Allele frequency attached by ClinVar (database versions not stated): ExAC 0.00003; gnomAD exomes 0.00003 and 0.00007; TOPMed 0.00003; gnomAD 0.00005; ESP Exome Variant Server 0.00015.

Submissions (2):

Ambry Genetics
Classification: Uncertain significance. Last evaluated: 2025-12-16. Review status: criteria provided, single submitter. Criteria: Ambry Variant Classification Scheme 2023. Collection method: clinical testing. Allele origin: germline.

Labcorp Genetics (formerly Invitae), Labcorp
Classification: Uncertain significance. Last evaluated: 2025-11-23. Review status: criteria provided, single submitter. Criteria: Invitae Variant Classification Sherloc (09022015). Collection method: clinical testing. Allele origin: germline.
Comment: This sequence change replaces phenylalanine, which is neutral and non-polar, with tyrosine, which is neutral and polar, at codon 87 of the LRRC10 protein (p.Phe87Tyr). This variant is present in population databases (rs150521577, gnomAD 0.008%). This variant has not been reported in the literature in individuals affected with LRRC10-related conditions. ClinVar contains an entry for this variant (Variation ID: 1481934). An algorithm developed to predict the effect of missense changes on protein structure and function (PolyPhen-2) suggests that this variant is likely to be disruptive. In summary, the available evidence is currently insufficient to determine the role of this variant in disease. Therefore, it has been classified as a Variant of Uncertain Significance.